The following is an entry in ClinVar:

ClinVar aggregate classification (germline): Uncertain significance (1 of 4 stars; one submission).

Conditions:
OTOG-related disorder. Also called: OTOG-related condition.

gnomAD v4.1: 93 of 1,550,412 alleles (0.006%); highest among the groups gnomAD compares: African/African-American, 0.0082%; no homozygotes.

Submission:

PreventionGenetics, part of Exact Sciences
Classification: Uncertain significance for OTOG-related condition. Last evaluated: 2025-09-09. Review status: criteria provided, single submitter. Criteria: ACMG Guidelines, 2015. Collection method: clinical testing. Allele origin: germline.
Comment: The OTOG c.5651C>T variant is predicted to result in the amino acid substitution p.Thr1884Ile. To our knowledge, this variant has not been reported in the literature. This variant is reported in 0.0086% of alleles in individuals of European (Non-Finnish) descent in gnomAD. At this time, the clinical significance of this variant is uncertain due to the absence of conclusive functional and genetic evidence.

NM_001292063.2(OTOG):c.5615C>T (p.Thr1872Ile)

Gene: OTOG (otogelin; plus strand). Cytogenetic location: 11p15.1.
Variant type: single nucleotide variant.
Coding change: c.5615C>T on transcript NM_001292063.2 (MANE Select); coding-DNA position 5615, C replaced by T.
Protein change: p.Thr1872Ile; replaces threonine 1872 with isoleucine.
Molecular consequence: missense variant.
Genome position (GRCh38, 1-based): chr11:17,610,915, C>T. VCF-style: chr11-17610915-C-T. GRCh37 (hg19) VCF-style: chr11-17632462-C-T.
Other names: c.5651C>T, p.Thr1884Ile (NM_001277269.2); short protein forms T1884I, T1872I.
Identifiers: ClinVar variation 4978656 (VCV004978656.1).
Genomic context (GRCh38, chr11:17,610,915, plus strand): 5'-CTCCAGCAGCAATGACCCAGGCGCACCCACCCACTCACATAGCACCCCCAGCAGCAGGCA[C>T]AGCTCCAGGCCTGCTGCTGGGAGCCACATTGCCAACCTCTGGAGTCCTGCCTGTGGCTGA-3'
Protein context (NP_001278992.1, residues 1862-1882): PTHIAPPAAG[Thr1872Ile]APGLLLGATL